The following is an entry in ClinVar:

ClinVar aggregate classification (germline): Uncertain significance (1 of 4 stars; one submission).

Submission:

Ambry Genetics
Classification: Uncertain significance. Last evaluated: 2024-05-15. Review status: criteria provided, single submitter. Criteria: Ambry Variant Classification Scheme 2023. Collection method: clinical testing. Allele origin: germline.
Comment: The p.Q1049R variant (also known as c.3146A>G), located in coding exon 27 of the PRKDC gene, results from an A to G substitution at nucleotide position 3146. The glutamine at codon 1049 is replaced by arginine, an amino acid with highly similar properties. This amino acid position is conserved. In addition, the in silico prediction for this alteration is inconclusive. Based on the available evidence, the clinical significance of this variant remains unclear.

NM_006904.7(PRKDC):c.3146A>G (p.Gln1049Arg)

Gene: PRKDC (protein kinase, DNA-activated, catalytic subunit; minus strand). Cytogenetic location: 8q11.21.
Variant type: single nucleotide variant.
Coding change: c.3146A>G on transcript NM_006904.7 (MANE Select); coding-DNA position 3146, A replaced by G.
Protein change: p.Gln1049Arg; replaces glutamine 1049 with arginine.
Molecular consequence: missense variant.
Genome position (GRCh38, 1-based): chr8:47,902,692, T>C on the plus strand (A>G on the coding strand, the complement: PRKDC is on the minus strand). VCF-style: chr8-47902692-T-C. GRCh37 (hg19) VCF-style: chr8-48815252-T-C.
Other names: c.3146A>G, p.Gln1049Arg (NM_001081640.2); short protein forms Q1049R.
Identifiers: ClinVar variation 3310147 (VCV003310147.1).
Genomic context (GRCh38, chr8:47,902,692, plus strand): 5'-TGAAGCGCAAGGCTATAAAGTCGCTTGAAAAGCGATTTGGTGTTTACTGGACTCTTCTCC[T>C]GCTGCTGTGGTGTTATTTGCTTAATGGACCATTTAAGGAATTCTCGAATACACCGACCAC-3'
Protein context (NP_008835.5, residues 1039-1059): WSIKQITPQQ[Gln1049Arg]EKSPVNTKSL